The following is an entry in ClinVar:

NM_052947.4(ALPK2):c.458T>C (p.Ile153Thr)

Gene: ALPK2 (alpha kinase 2; minus strand). Cytogenetic location: 18q21.31.
Variant type: single nucleotide variant.
Coding change: c.458T>C on transcript NM_052947.4 (MANE Select); coding-DNA position 458, T replaced by C.
Protein change: p.Ile153Thr; replaces isoleucine 153 with threonine.
Molecular consequence: missense variant.
Genome position (GRCh38, 1-based): chr18:58,580,318, A>G on the plus strand (T>C on the coding strand, the complement: ALPK2 is on the minus strand). VCF-style: chr18-58580318-A-G. GRCh37 (hg19) VCF-style: chr18-56247550-A-G.
Other names: short protein forms I153T.
Identifiers: ClinVar variation 3228751 (VCV003228751.1), dbSNP rs1253360046, ClinGen allele CA402567921.
Genomic context (GRCh38, chr18:58,580,318, plus strand): 5'-GAGAGTGAATGGTTGGATTTGGAGGGGGAGGAGTCAGCTGACCTGGGAGTGCCCGGGGAG[A>G]TGCTTTCTTCTTCCTTATAAGGATGTTCCTTCTCATCAATCTGATTTGCCCTTTCTTCTT-3'
Protein context (NP_443179.3, residues 143-163): KEHPYKEEES[Ile153Thr]SPGTPRSADS

ClinVar aggregate classification (germline): Uncertain significance (1 of 4 stars; one submission).

Allele frequency attached by ClinVar (database versions not stated): gnomAD exomes below 0.00001; gnomAD 0.00001.

Submission:

Ambry Genetics
Classification: Uncertain significance. Last evaluated: 2024-03-04. Review status: criteria provided, single submitter. Criteria: Ambry Variant Classification Scheme 2023. Collection method: clinical testing. Allele origin: germline.
Comment: The p.I153T variant (also known as c.458T>C), located in coding exon 3 of the ALPK2 gene, results from a T to C substitution at nucleotide position 458. The isoleucine at codon 153 is replaced by threonine, an amino acid with similar properties. This amino acid position is conserved. In addition, this alteration is predicted to be tolerated by in silico analysis. Based on the available evidence, the clinical significance of this alteration remains unclear.